The following is an entry in ClinVar:

ClinVar aggregate classification (germline): Conflicting classifications of pathogenicity. Review status: criteria provided, conflicting classifications (1 of 4 stars). 6 submissions from 6 submitters: Uncertain significance (1); Likely benign (4). 1 of the submissions does not count toward it. Last evaluated 2026-01-14.

Conditions:
Deficiency of alpha-mannosidase (MANSA). Also called: LYSOSOMAL ALPHA-D-MANNOSIDASE DEFICIENCY; Mannosidosis, alpha-, types I and II; Alpha-Mannosidosis. Identifiers: Orphanet 61, MedGen C0024748, MONDO:0009561, OMIM 248500.

Allele frequency attached by ClinVar (database versions not stated): gnomAD 0.00016 and 0.00019; ESP Exome Variant Server 0.00023; ExAC 0.00024; TOPMed 0.00026; gnomAD exomes 0.00027.
gnomAD v4.1: 310 of 1,614,068 alleles (0.019%); highest among the groups gnomAD compares: Middle Eastern, 0.016%; no homozygotes.

Submissions (6):

Labcorp Genetics (formerly Invitae), Labcorp
Classification: Likely benign for Deficiency of alpha-mannosidase. Last evaluated: 2026-01-14. Review status: criteria provided, single submitter. Criteria: Invitae Variant Classification Sherloc (09022015). Collection method: clinical testing. Allele origin: germline.

Blueprint Genetics
Classification: Likely benign. Last evaluated: 2024-09-11. Review status: criteria provided, single submitter. Criteria: ACMG Guidelines, 2015. Collection method: clinical testing. Allele origin: germline.

CeGaT Center for Human Genetics Tuebingen
Classification: Likely benign. Last evaluated: 2023-10-01. Review status: criteria provided, single submitter. Criteria: CeGaT Center For Human Genetics Tuebingen Variant Classification Criteria Version 2. Collection method: clinical testing. Allele origin: germline. Affected: yes. Observed: 1 variant allele.
Comment: MAN2B1: BP4, BP7

Genome-Nilou Lab
Classification: Likely benign for Deficiency of alpha-mannosidase. Last evaluated: 2021-09-05. Review status: criteria provided, single submitter. Criteria: ACMG Guidelines, 2015. Collection method: clinical testing. Allele origin: germline. Affected: no.

Illumina Laboratory Services, Illumina
Classification: Uncertain significance for Deficiency of alpha-mannosidase. Last evaluated: 2018-01-13. Review status: criteria provided, single submitter. Criteria: ICSL Variant Classification Criteria 13 December 2019. Collection method: clinical testing. Allele origin: germline.

Natera, Inc.
Classification: Likely benign for Alpha-mannosidosis. Last evaluated: 2020-09-16. Review status: no assertion criteria provided. Collection method: clinical testing. Allele origin: germline. Not counted in ClinVar's aggregate classification.

NM_000528.4(MAN2B1):c.2973G>A (p.Thr991=)

Gene: MAN2B1 (mannosidase alpha class 2B member 1; minus strand). Cytogenetic location: 19p13.13.
Variant type: single nucleotide variant.
Coding change: c.2973G>A on transcript NM_000528.4 (MANE Select); coding-DNA position 2973, G replaced by A.
Protein change: p.Thr991=; no amino-acid change (threonine 991 retained).
Molecular consequence: synonymous variant.
Genome position (GRCh38, 1-based): chr19:12,646,683, C>T on the plus strand (G>A on the coding strand, the complement: MAN2B1 is on the minus strand). VCF-style: chr19-12646683-C-T. GRCh37 (hg19) VCF-style: chr19-12757497-C-T.
Other names: c.2970G>A, p.Thr990= (NM_001173498.2).
Identifiers: ClinVar variation 733193 (VCV000733193.43), dbSNP rs148945108, ClinGen allele CA9225846.